The following is an entry in ClinVar:

ClinVar aggregate classification (germline): Uncertain significance (1 of 4 stars; one submission).

Conditions:
Cardiovascular phenotype. Identifiers: MedGen CN230736.

Submission:

Ambry Genetics
Classification: Uncertain significance for Cardiovascular phenotype. Last evaluated: 2025-05-04. Review status: criteria provided, single submitter. Criteria: Ambry Variant Classification Scheme 2023. Collection method: clinical testing. Allele origin: germline.
Comment: The c.16286-2A>G intronic variant results from an A to G substitution two nucleotides upstream from coding exon 63 in the TTN gene. This exon is located in the I-band region of the N2-B isoform of the titin protein and is constitutively expressed in TTN transcripts (percent spliced in or PSI 100%). This nucleotide position is highly conserved in available vertebrate species. In silico splice site analysis predicts that this alteration will weaken the native splice acceptor site and will result in the creation or strengthening of a novel splice acceptor site. This variant disrupts the canonical splice site and is expected to cause aberrant splicing. However, although direct evidence is unavailable, this alteration is predicted to result in an in-frame transcript that is not expected to trigger nonsense-mediated mRNA decay. The exact functional effect of the predicted splice impact is unknown. Based on the available evidence, the clinical significance of this variant remains unclear.

NM_001267550.2(TTN):c.43481-2A>G

Gene: TTN (titin; minus strand). Cytogenetic location: 2q31.2.
Variant type: single nucleotide variant.
Coding change: c.43481-2A>G on transcript NM_001267550.2 (MANE Select); the canonical splice acceptor site of the intron before coding-DNA position 43481, A replaced by G.
Molecular consequence: splice acceptor variant.
Genome position (GRCh38, 1-based): chr2:178,632,415, T>C on the plus strand (A>G on the coding strand, the complement: TTN is on the minus strand). VCF-style: chr2-178632415-T-C. GRCh37 (hg19) VCF-style: chr2-179497142-T-C.
Other names: c.16286-2A>G (NM_003319.4); c.16862-2A>G (NM_133437.4); c.16661-2A>G (NM_133432.3); c.35777-2A>G (NM_133378.4); c.38558-2A>G (NM_001256850.1).
Identifiers: ClinVar variation 3975814 (VCV003975814.1).